The following is an entry in ClinVar:

NM_030973.4(MED25):c.135-6T>G

Gene: MED25 (mediator complex subunit 25; plus strand). Cytogenetic location: 19q13.33.
Variant type: single nucleotide variant.
Coding change: c.135-6T>G on transcript NM_030973.4 (MANE Select); 6 bases into the intron before coding-DNA position 135, T replaced by G.
Molecular consequence: intron variant.
Genome position (GRCh38, 1-based): chr19:49,818,565, T>G. VCF-style: chr19-49818565-T-G. GRCh37 (hg19) VCF-style: chr19-50321822-T-G.
Other names: c.135-6T>G (NM_001378355.1).
Identifiers: ClinVar variation 195385 (VCV000195385.47), dbSNP rs199743509, ClinGen allele CA241807.
Genomic context (GRCh38, chr19:49,818,565, plus strand): 5'-GCCCTCCCACTTCAGTTTCGCACAGTTTCTTGCCTGACTCCGACCTTTCACTTCCTACCC[T>G]CACAGGTATTTTAATGGTGGTCCTCCTGCTGAGACGGACTTCGGGGGAGACGTGAGTCTA-3'

ClinVar aggregate classification (germline): Conflicting classifications of pathogenicity. Review status: criteria provided, conflicting classifications (1 of 4 stars). 7 submissions from 7 submitters: Uncertain significance (3); Benign (1); Likely benign (3). Last evaluated 2026-09-01.

Conditions:
MED25-related disorder. Also called: MED25-related condition.
Charcot-Marie-Tooth disease. Also called: Charcot-Marie-Tooth Hereditary Neuropathy; Charcot-Marie-Tooth Neuropathy. Identifiers: Orphanet 166, MedGen C0007959, MONDO:0015626.
Inborn genetic diseases. Identifiers: MedGen C0950123, MeSH D030342.
Charcot-Marie-Tooth disease type 2. Also called: Charcot-Marie-Tooth type 2. Identifiers: Orphanet 64746, MedGen C0270914, MONDO:0018993.

Allele frequency attached by ClinVar (database versions not stated): ExAC 0.00028; gnomAD exomes 0.00031 and 0.00065; gnomAD 0.00036 and 0.00037; TOPMed 0.00040; ESP Exome Variant Server 0.00046.

Submissions (10):

CeGaT Center for Human Genetics Tuebingen
Classification: Likely benign. Last evaluated: 2026-09-01. Review status: criteria provided, single submitter. Criteria: CeGaT Center For Human Genetics Tuebingen Variant Classification Criteria Version 2. Collection method: clinical testing. Allele origin: germline. Affected: yes. Observed: 2 variant alleles.
Comment: MED25: BP4

Labcorp Genetics (formerly Invitae), Labcorp
Classification: Likely benign for Charcot-Marie-Tooth disease type 2. Last evaluated: 2025-12-31. Review status: criteria provided, single submitter. Criteria: Invitae Variant Classification Sherloc (09022015). Collection method: clinical testing. Allele origin: germline.

PreventionGenetics, part of Exact Sciences
Classification: Likely benign for MED25-related condition. Last evaluated: 2025-12-13. Review status: criteria provided, single submitter. Criteria: ACMG Guidelines, 2015. Collection method: clinical testing. Allele origin: germline.
Comment: This variant is classified as likely benign based on ACMG/AMP sequence variant interpretation guidelines (Richards et al. 2015 PMID: 25741868, with internal and published modifications).

Ambry Genetics
Classification: Uncertain significance for Inborn genetic diseases. Last evaluated: 2022-04-04. Review status: criteria provided, single submitter. Criteria: Ambry Variant Classification Scheme 2023. Collection method: clinical testing. Allele origin: germline.
Comment: The c.135-6T>G intronic alteration consists of a T to G substitution 6 nucleotides before coding exon 2 in the MED25 gene. Based on insufficient or conflicting evidence, the clinical significance of this alteration remains unclear.

GeneDx
Classification: Benign. Last evaluated: 2015-09-02. Review status: criteria provided, single submitter. Criteria: GeneDx Variant Classification (06012015). Collection method: clinical testing. Allele origin: germline. Affected: yes.
Comment: This variant is considered likely benign or benign based on one or more of the following criteria: it is a conservative change, it occurs at a poorly conserved position in the protein, it is predicted to be benign by multiple in silico algorithms, and/or has population frequency not consistent with disease.

Eurofins Ntd Llc (ga)
Classification: Uncertain significance. Last evaluated: 2015-04-21. Review status: criteria provided, single submitter. Criteria: EGL Classification Definitions 2015. Collection method: clinical testing. Allele origin: germline. Observed: 1 variant allele, 1 heterozygote.

Molecular Genetics Laboratory, London Health Sciences Centre
Classification: Uncertain significance for Charcot-Marie-Tooth disease. Review status: criteria provided, single submitter. Criteria: ACMG Guidelines, 2015. Collection method: clinical testing. Allele origin: germline. Affected: yes.

Dr. Peter K. Rogan Lab, Western University
No classification provided (evidence only). Condition: Lung cancer. Review status: no classification provided. Collection method: in vitro. Allele origin: not applicable. Functional consequence: retained intron. Not counted in ClinVar's aggregate classification.

Dr. Peter K. Rogan Lab, Western University
No classification provided (evidence only). Condition: Lung cancer. Review status: no classification provided. Collection method: in vitro. Allele origin: not applicable. Functional consequence: retained intron. Not counted in ClinVar's aggregate classification.

Dr. Peter K. Rogan Lab, Western University
No classification provided (evidence only). Condition: Lung cancer. Review status: no classification provided. Collection method: in vitro. Allele origin: not applicable. Functional consequence: retained intron. Not counted in ClinVar's aggregate classification.